The following is an entry in ClinVar:

NM_001199799.2(ILDR1):c.1582A>G (p.Ser528Gly)

Gene: ILDR1 (immunoglobulin like domain containing receptor 1; minus strand). Cytogenetic location: 3q13.33.
Variant type: single nucleotide variant.
Coding change: c.1582A>G on transcript NM_001199799.2 (MANE Select); coding-DNA position 1582, A replaced by G.
Protein change: p.Ser528Gly; replaces serine 528 with glycine.
Molecular consequence: missense variant.
Genome position (GRCh38, 1-based): chr3:121,993,167, T>C on the plus strand (A>G on the coding strand, the complement: ILDR1 is on the minus strand). VCF-style: chr3-121993167-T-C. GRCh37 (hg19) VCF-style: chr3-121712014-T-C.
Other names: c.1315A>G, p.Ser439Gly (NM_001199800.2); c.1450A>G, p.Ser484Gly (NM_175924.4); short protein forms S528G, S439G, S484G.
Identifiers: ClinVar variation 163694 (VCV000163694.4), dbSNP rs727503095, ClinGen allele CA176355.
Genomic context (GRCh38, chr3:121,993,167, plus strand): 5'-TCTCTGCCCATGCCCAACCCTCAGCAGGATGCCCCAGGCTCACCGAGCGCCTCTCCACAC[T>C]CCCTTTTTTCCTGCTATTCTTGCCTGGAGTGATATCAAGTGAGCGGTAGCTAGGCGGCTT-3'
Protein context (NP_001186728.1, residues 518-538): TPGKNSRKKG[Ser528Gly]VERRSEKDSS

ClinVar aggregate classification (germline): Uncertain significance (1 of 4 stars; one submission).

Allele frequency attached by ClinVar (database versions not stated): gnomAD exomes below 0.00001; TOPMed below 0.00001.
gnomAD v4.1: 1 of 1,605,222 alleles (0.000062%); highest among the groups gnomAD compares: Non-Finnish European, 0.000085%; no homozygotes.

Submission:

Laboratory for Molecular Medicine, Mass General Brigham Personalized Medicine
Classification: Uncertain significance. Last evaluated: 2015-04-28. Review status: criteria provided, single submitter. Criteria: LMM Criteria. Collection method: clinical testing. Allele origin: germline. Observed: 2 variant alleles.
Comment: Variant classified as Uncertain Significance - Favor Benign. The p.Ser528Gly var iant in ILDR1 has not been previously reported in individuals with hearing loss. Data from large population studies are insufficient to assess the frequency of this variant. Serine (Ser) at position 528 is not conserved in mammals or evolut ionarily distant species and 2 avian species (chicken and turkey) carry a glycin e (Gly) at the position, raising the possibility that this change may be tolerat ed. Additional computational prediction tools suggest that the variant may not i mpact the protein, though this information is not predictive enough to rule out pathogenicity. In summary, while the clinical significance of the p.Ser528Gly va riant is uncertain, the lack of conservation suggests that it is more likely to be benign.